The following is an entry in ClinVar:

NM_006767.4(LZTR1):c.1384A>G (p.Ile462Val)

Gene: LZTR1 (leucine zipper like post translational regulator 1; plus strand). Cytogenetic location: 22q11.21.
Variant type: single nucleotide variant.
Coding change: c.1384A>G on transcript NM_006767.4 (MANE Select); coding-DNA position 1384, A replaced by G.
Protein change: p.Ile462Val; replaces isoleucine 462 with valine.
Molecular consequence: missense variant.
Genome position (GRCh38, 1-based): chr22:20,993,954, A>G. VCF-style: chr22-20993954-A-G. GRCh37 (hg19) VCF-style: chr22-21348243-A-G.
Other names: short protein forms I462V.
Identifiers: ClinVar variation 1021016 (VCV001021016.16), dbSNP rs751597202, ClinGen allele CA10118866.

ClinVar aggregate classification (germline): Uncertain significance. Review status: criteria provided, multiple submitters, no conflicts (2 of 4 stars). 7 submissions from 7 submitters: Uncertain significance (7). Last evaluated 2026-09-01.

Conditions:
Cardiovascular phenotype. Identifiers: MedGen CN230736.
Hereditary cancer-predisposing syndrome. Also called: Tumor predisposition; Hereditary neoplastic syndrome; Neoplastic Syndromes, Hereditary; Hereditary Cancer Syndrome. Identifiers: Orphanet 140162, MedGen C0027672, MeSH D009386, MONDO:0015356.
LZTR1-related disorder. Also called: LZTR1-related disorders; LZTR1-related condition.
LZTR1-related schwannomatosis. Also called: Schwannomatosis 2; Schwannomatosis-2, susceptibility to. Identifiers: Orphanet 93921, MedGen C3810283, MONDO:0014299, OMIM 615670.

Allele frequency attached by ClinVar (database versions not stated): gnomAD exomes 0.00001 and 0.00003; ExAC 0.00002; gnomAD 0.00002; TOPMed 0.00004.
gnomAD v4.1: 31 of 1,612,736 alleles (0.0019%); highest among the groups gnomAD compares: Admixed American, 0.01%; no homozygotes.

Submissions (7):

GeneDx
Classification: Uncertain significance. Last evaluated: 2026-09-01. Review status: criteria provided, single submitter. Criteria: GeneDx Variant Classification Process June 2021. Collection method: clinical testing. Allele origin: germline.
Comment: In silico analysis suggests that this missense variant does not alter protein structure/function; Has not been previously published as pathogenic or benign to our knowledge

Ambry Genetics
Classification: Uncertain significance for Cardiovascular phenotype; Hereditary cancer-predisposing syndrome. Last evaluated: 2025-04-17. Review status: criteria provided, single submitter. Criteria: Ambry Variant Classification Scheme 2023. Collection method: clinical testing. Allele origin: germline.
Comment: The p.I462V variant (also known as c.1384A>G), located in coding exon 13 of the LZTR1 gene, results from an A to G substitution at nucleotide position 1384. The isoleucine at codon 462 is replaced by valine, an amino acid with highly similar properties. This amino acid position is highly conserved in available vertebrate species. In addition, this alteration is predicted to be tolerated by in silico analysis. Based on the available evidence, the clinical significance of this variant remains unclear.

PreventionGenetics, part of Exact Sciences
Classification: Uncertain significance for LZTR1-related condition. Last evaluated: 2025-03-05. Review status: criteria provided, single submitter. Criteria: ACMG Guidelines, 2015. Collection method: clinical testing. Allele origin: germline.
Comment: The LZTR1 c.1384A>G variant is predicted to result in the amino acid substitution p.Ile462Val. To our knowledge, this variant has not been reported in the literature. This variant is reported in 0.011% of alleles in individuals of Latino descent in gnomAD. At this time, the clinical significance of this variant is uncertain due to the absence of conclusive functional and genetic evidence.

Labcorp Genetics (formerly Invitae), Labcorp
Classification: Uncertain significance. Last evaluated: 2024-12-30. Review status: criteria provided, single submitter. Criteria: Invitae Variant Classification Sherloc (09022015). Collection method: clinical testing. Allele origin: germline.
Comment: This sequence change replaces isoleucine, which is neutral and non-polar, with valine, which is neutral and non-polar, at codon 462 of the LZTR1 protein (p.Ile462Val). This variant is present in population databases (rs751597202, gnomAD 0.01%). This variant has not been reported in the literature in individuals affected with LZTR1-related conditions. ClinVar contains an entry for this variant (Variation ID: 1021016). Invitae Evidence Modeling of protein sequence and biophysical properties (such as structural, functional, and spatial information, amino acid conservation, physicochemical variation, residue mobility, and thermodynamic stability) indicates that this missense variant is not expected to disrupt LZTR1 protein function with a negative predictive value of 80%. In summary, the available evidence is currently insufficient to determine the role of this variant in disease. Therefore, it has been classified as a Variant of Uncertain Significance.

Blueprint Genetics
Classification: Uncertain significance. Last evaluated: 2024-11-12. Review status: criteria provided, single submitter. Criteria: ACMG Guidelines, 2015. Collection method: clinical testing. Allele origin: germline.

Baylor Genetics
Classification: Uncertain significance for LZTR1-related schwannomatosis. Last evaluated: 2024-01-11. Review status: criteria provided, single submitter. Criteria: ACMG Guidelines, 2015. Collection method: clinical testing. Allele origin: unknown.

Breakthrough Genomics
Classification: Uncertain significance. Review status: criteria provided, single submitter. Criteria: ACMG Guidelines, 2015. Collection method: not provided. Allele origin: germline. Inheritance: Autosomal dominant inheritance. Affected: yes.